The following is an entry in ClinVar:

NM_020812.4(DOCK6):c.729C>G (p.Ala243=)

Gene: DOCK6 (dedicator of cytokinesis 6; minus strand). Cytogenetic location: 19p13.2.
Variant type: single nucleotide variant.
Coding change: c.729C>G on transcript NM_020812.4 (MANE Select); coding-DNA position 729, C replaced by G.
Protein change: p.Ala243=; no amino-acid change (alanine 243 retained).
Molecular consequence: synonymous variant.
Genome position (GRCh38, 1-based): chr19:11,248,143, G>C on the plus strand (C>G on the coding strand, the complement: DOCK6 is on the minus strand). VCF-style: chr19-11248143-G-C. GRCh37 (hg19) VCF-style: chr19-11358819-G-C.
Other names: c.729C>G, p.Ala243= (NM_001367830.1).
Identifiers: ClinVar variation 757523 (VCV000757523.16), dbSNP rs35674395, ClinGen allele CA9208365.

ClinVar aggregate classification (germline): Benign/Likely benign. Review status: criteria provided, multiple submitters, no conflicts (2 of 4 stars). 4 submissions from 4 submitters: Benign (1); Likely benign (2). 1 of the submissions does not count toward it. Last evaluated 2026-03-01.

Conditions:
DOCK6-related disorder. Also called: DOCK6-related condition.

Allele frequency attached by ClinVar (database versions not stated): gnomAD 0.00061; ESP Exome Variant Server 0.00066; TOPMed 0.00075; 1000 Genomes Project 0.00100; 1000 Genomes Project 30x 0.00125.
gnomAD v4.1: 244 of 1,608,382 alleles (0.015%); highest among the groups gnomAD compares: African/African-American, 0.27%; no homozygotes.

Submissions (4):

CeGaT Center for Human Genetics Tuebingen
Classification: Likely benign. Last evaluated: 2026-03-01. Review status: criteria provided, single submitter. Criteria: CeGaT Center For Human Genetics Tuebingen Variant Classification Criteria Version 2. Collection method: clinical testing. Allele origin: germline. Affected: yes. Observed: 1 variant allele.
Comment: DOCK6: BP4, BP7

Labcorp Genetics (formerly Invitae), Labcorp
Classification: Benign. Last evaluated: 2025-12-01. Review status: criteria provided, single submitter. Criteria: Invitae Variant Classification Sherloc (09022015). Collection method: clinical testing. Allele origin: germline.

Blueprint Genetics
Classification: Likely benign. Last evaluated: 2022-07-08. Review status: criteria provided, single submitter. Criteria: ACMG Guidelines, 2015. Collection method: clinical testing. Allele origin: germline.

PreventionGenetics, part of Exact Sciences
Classification: Likely benign for DOCK6-related condition. Last evaluated: 2019-08-06. Review status: no assertion criteria provided. Collection method: clinical testing. Allele origin: germline. Not counted in ClinVar's aggregate classification.
Comment: This variant is classified as likely benign based on ACMG/AMP sequence variant interpretation guidelines (Richards et al. 2015 PMID: 25741868, with internal and published modifications).